The following is an entry in ClinVar:

NM_013275.6(ANKRD11):c.6067G>T (p.Ala2023Ser)

Gene: ANKRD11 (ankyrin repeat domain 11; minus strand). Cytogenetic location: 16q24.3.
Variant type: single nucleotide variant.
Coding change: c.6067G>T on transcript NM_013275.6 (MANE Select); coding-DNA position 6067, G replaced by T.
Protein change: p.Ala2023Ser; replaces alanine 2023 with serine.
Molecular consequence: missense variant.
Genome position (GRCh38, 1-based): chr16:89,280,475, C>A on the plus strand (G>T on the coding strand, the complement: ANKRD11 is on the minus strand). VCF-style: chr16-89280475-C-A. GRCh37 (hg19) VCF-style: chr16-89346883-C-A.
Other names: c.6067G>T, p.Ala2023Ser (NM_001256182.2, NM_001256183.2); short protein forms A2023S.
Identifiers: ClinVar variation 2418750 (VCV002418750.6), dbSNP rs60520302, ClinGen allele CA8241615.

ClinVar aggregate classification (germline): Uncertain significance. Review status: criteria provided, multiple submitters, no conflicts (2 of 4 stars). 2 submissions from 2 submitters: Uncertain significance (2). Last evaluated 2022-08-16.

Conditions:
KBG syndrome (KBGS). Also called: ANKRD11-Related KBG Syndrome. Identifiers: Orphanet 2332, MedGen C0220687, MONDO:0007846, OMIM 148050.

Submissions (2):

Department of Pathology and Laboratory Medicine, Sinai Health System
Classification: Uncertain significance for KBG syndrome. Last evaluated: 2022-08-16. Review status: criteria provided, single submitter. Criteria: ACMG Guidelines, 2015. Collection method: research. Allele origin: germline.

Labcorp Genetics (formerly Invitae), Labcorp
Classification: Uncertain significance for KBG syndrome. Last evaluated: 2022-03-31. Review status: criteria provided, single submitter. Criteria: Invitae Variant Classification Sherloc (09022015). Collection method: clinical testing. Allele origin: germline.
Comment: Advanced modeling of protein sequence and biophysical properties (such as structural, functional, and spatial information, amino acid conservation, physicochemical variation, residue mobility, and thermodynamic stability) performed at Invitae indicates that this missense variant is not expected to disrupt ANKRD11 protein function. This variant has not been reported in the literature in individuals affected with ANKRD11-related conditions. This variant is present in population databases (rs60520302, gnomAD 0.007%). This sequence change replaces alanine, which is neutral and non-polar, with serine, which is neutral and polar, at codon 2023 of the ANKRD11 protein (p.Ala2023Ser). In summary, the available evidence is currently insufficient to determine the role of this variant in disease. Therefore, it has been classified as a Variant of Uncertain Significance.